The following is an entry in ClinVar:

ClinVar aggregate classification (germline): Conflicting classifications of pathogenicity. Review status: criteria provided, conflicting classifications (1 of 4 stars). 3 submissions from 3 submitters: Uncertain significance (2); Likely benign (1). Last evaluated 2025-08-01.

Conditions:
Inborn genetic diseases. Identifiers: MedGen C0950123, MeSH D030342.

Allele frequency attached by ClinVar (database versions not stated): TOPMed 0.00006; ExAC 0.00007; gnomAD exomes 0.00007 and 0.00010; ESP Exome Variant Server 0.00008; 1000 Genomes Project 30x 0.00016; 1000 Genomes Project 0.00020.
gnomAD v4.1: 157 of 1,612,928 alleles (0.0097%); highest among the groups gnomAD compares: Non-Finnish European, 0.013%; no homozygotes.

Submissions (3):

Ambry Genetics
Classification: Uncertain significance for Inborn genetic diseases. Last evaluated: 2025-08-01. Review status: criteria provided, single submitter. Criteria: Ambry Variant Classification Scheme 2023. Collection method: clinical testing. Allele origin: germline.

CeGaT Center for Human Genetics Tuebingen
Classification: Likely benign. Last evaluated: 2022-06-01. Review status: criteria provided, single submitter. Criteria: CeGaT Center For Human Genetics Tuebingen Variant Classification Criteria Version 2. Collection method: clinical testing. Allele origin: germline. Affected: yes. Observed: 1 variant allele.
Comment: GRM7: BP4

Labcorp Genetics (formerly Invitae), Labcorp
Classification: Uncertain significance. Last evaluated: 2022-03-15. Review status: criteria provided, single submitter. Criteria: Invitae Variant Classification Sherloc (09022015). Collection method: clinical testing. Allele origin: germline.
Comment: This sequence change replaces threonine, which is neutral and polar, with isoleucine, which is neutral and non-polar, at codon 539 of the GRM7 protein (p.Thr539Ile). This variant is present in population databases (rs141283776, gnomAD 0.01%). This variant has not been reported in the literature in individuals affected with GRM7-related conditions. Algorithms developed to predict the effect of missense changes on protein structure and function (SIFT, PolyPhen-2, Align-GVGD) all suggest that this variant is likely to be tolerated. In summary, the available evidence is currently insufficient to determine the role of this variant in disease. Therefore, it has been classified as a Variant of Uncertain Significance.

NM_000844.4(GRM7):c.1616C>T (p.Thr539Ile)

Gene: GRM7 (glutamate metabotropic receptor 7; plus strand). Cytogenetic location: 3p26.1.
Variant type: single nucleotide variant.
Coding change: c.1616C>T on transcript NM_000844.4 (MANE Select); coding-DNA position 1616, C replaced by T.
Protein change: p.Thr539Ile; replaces threonine 539 with isoleucine.
Molecular consequence: missense variant.
Genome position (GRCh38, 1-based): chr3:7,578,522, C>T. VCF-style: chr3-7578522-C-T. GRCh37 (hg19) VCF-style: chr3-7620209-C-T.
Other names: c.1616C>T (NM_000844.3); c.1616C>T, p.Thr539Ile (NM_181874.3); short protein forms T539I.
Identifiers: ClinVar variation 1695058 (VCV001695058.34), dbSNP rs141283776, ClinGen allele CA2234960.